The following is an entry in ClinVar:

NM_001620.3(AHNAK):c.7490A>G (p.Asn2497Ser)

Gene: AHNAK (AHNAK nucleoprotein; minus strand). Cytogenetic location: 11q12.3.
Variant type: single nucleotide variant.
Coding change: c.7490A>G on transcript NM_001620.3 (MANE Select); coding-DNA position 7490, A replaced by G.
Protein change: p.Asn2497Ser; replaces asparagine 2497 with serine.
Molecular consequence: missense variant. On other transcripts: intron variant (1).
Genome position (GRCh38, 1-based): chr11:62,526,927, T>C on the plus strand (A>G on the coding strand, the complement: AHNAK is on the minus strand). VCF-style: chr11-62526927-T-C. GRCh37 (hg19) VCF-style: chr11-62294399-T-C.
Other names: c.7490A>G, p.Asn2497Ser (NM_001346445.2, NM_001346446.2); c.342+8076A>G (NM_024060.4); short protein forms N2497S.
Identifiers: ClinVar variation 2641874 (VCV002641874.24), dbSNP rs750476532, ClinGen allele CA6045503.

ClinVar aggregate classification (germline): Likely benign (1 of 4 stars; one submission).

Allele frequency attached by ClinVar (database versions not stated): TOPMed below 0.00001; gnomAD 0.00002; ExAC 0.00012.

Submission:

CeGaT Center for Human Genetics Tuebingen
Classification: Likely benign. Last evaluated: 2022-07-01. Review status: criteria provided, single submitter. Criteria: CeGaT Center For Human Genetics Tuebingen Variant Classification Criteria Version 2. Collection method: clinical testing. Allele origin: germline. Affected: yes. Observed: 1 variant allele.
Comment: AHNAK: BP4, BS2